The following is an entry in ClinVar:

ClinVar aggregate classification (germline): Benign. Review status: criteria provided, single submitter (1 of 4 stars). 2 submissions from 2 submitters: Benign (1). 1 of the submissions does not count toward it. Last evaluated 2025-12-09.

Conditions:
PDGFRB-related disorder. Also called: PDGFRB-related condition.
Skeletal overgrowth-craniofacial dysmorphism-hyperelastic skin-white matter lesions syndrome. Also called: SKELETAL OVERGROWTH WITH FACIAL DYSMORPHISM, HYPERELASTIC SKIN, WHITE MATTER LESIONS, AND NEUROLOGIC DETERIORATION; Kosaki overgrowth syndrome. Identifiers: Orphanet 477831, MedGen C4225270, MONDO:0014704, OMIM 616592.
Acroosteolysis-keloid-like lesions-premature aging syndrome. Also called: Premature aging syndrome, Penttinen type; Prematurely aged appearance, delayed bone maturation, acro-osteolysis, and brachydactyly; Progeroid syndrome, Penttinen type. Identifiers: Orphanet 363665, MedGen C1866182, MONDO:0011150, OMIM 601812.
Infantile myofibromatosis (IMF). Also called: Congenital generalized fibromatosis. Identifiers: Orphanet 2591, MedGen C0432284, MONDO:0016824.
Basal ganglia calcification, idiopathic, 4 (PFBC4). Also called: PRIMARY FAMILIAL BRAIN CALCIFICATION 4, AUTOSOMAL DOMINANT; Familial Idiopathic Basal Ganglia Calcification 4. Identifiers: Orphanet 1980, MedGen C3554321, MONDO:0014004, OMIM 615007.

Allele frequency attached by ClinVar (database versions not stated): gnomAD exomes 0.00002 and 0.00010; ExAC 0.00008; gnomAD 0.00005 and 0.00003; 1000 Genomes Project 0.00080; TOPMed 0.00004; 1000 Genomes Project 30x 0.00078.
gnomAD v4.1: 50 of 1,613,944 alleles (0.0031%); highest among the groups gnomAD compares: East Asian, 0.085%; no homozygotes.

Submissions (2):

Labcorp Genetics (formerly Invitae), Labcorp
Classification: Benign for Basal ganglia calcification, idiopathic, 4; Skeletal overgrowth-craniofacial dysmorphism-hyperelastic skin-white matter lesions syndrome; Infantile myofibromatosis; Acroosteolysis-keloid-like lesions-premature aging syndrome. Last evaluated: 2025-12-09. Review status: criteria provided, single submitter. Criteria: Invitae Variant Classification Sherloc (09022015). Collection method: clinical testing. Allele origin: germline.

PreventionGenetics, part of Exact Sciences
Classification: Likely benign for PDGFRB-related condition. Last evaluated: 2023-12-06. Review status: no assertion criteria provided. Collection method: clinical testing. Allele origin: germline. Not counted in ClinVar's aggregate classification.
Comment: This variant is classified as likely benign based on ACMG/AMP sequence variant interpretation guidelines (Richards et al. 2015 PMID: 25741868, with internal and published modifications).

NM_002609.4(PDGFRB):c.1539T>C (p.Ala513=)

Gene: PDGFRB (platelet derived growth factor receptor beta; minus strand). Cytogenetic location: 5q32.
Variant type: single nucleotide variant.
Coding change: c.1539T>C on transcript NM_002609.4 (MANE Select); coding-DNA position 1539, T replaced by C.
Protein change: p.Ala513=; no amino-acid change (alanine 513 retained).
Molecular consequence: synonymous variant.
Genome position (GRCh38, 1-based): chr5:150,129,797, A>G on the plus strand (T>C on the coding strand, the complement: PDGFRB is on the minus strand). VCF-style: chr5-150129797-A-G. GRCh37 (hg19) VCF-style: chr5-149509360-A-G.
Other names: c.1347T>C, p.Ala449= (NM_001355016.2); c.1056T>C, p.Ala352= (NM_001355017.2).
Identifiers: ClinVar variation 772148 (VCV000772148.9), dbSNP rs150562879, ClinGen allele CA3507945.
Genomic context (GRCh38, chr5:150,129,797, plus strand): 5'-CACTGAGGCTGGGGACTCACAGTGTGGCACCACGATGACCTCCTGCGTGTCCTGGCCCAC[A>G]GCGTTGCGCAGCGTGCAGCGCACCGACAGTGGCCGATCCACGTGCTGCAGACGCAGTGTG-3'
Protein context (NP_002600.1, residues 503-523): PLSVRCTLRN[Ala513=]VGQDTQEVIV